The following is an entry in ClinVar:

NM_005359.6(SMAD4):c.390A>T (p.Pro130=)

Gene: SMAD4 (SMAD family member 4; plus strand). Cytogenetic location: 18q21.2.
Variant type: single nucleotide variant.
Coding change: c.390A>T on transcript NM_005359.6 (MANE Select); coding-DNA position 390, A replaced by T.
Protein change: p.Pro130=; no amino-acid change (proline 130 retained).
Molecular consequence: synonymous variant.
Genome position (GRCh38, 1-based): chr18:51,048,826, A>T. VCF-style: chr18-51048826-A-T. GRCh37 (hg19) VCF-style: chr18-48575196-A-T.
Identifiers: ClinVar variation 750030 (VCV000750030.11), dbSNP rs755862230, ClinGen allele CA503873616.

ClinVar aggregate classification (germline): Benign/Likely benign. Review status: criteria provided, multiple submitters, no conflicts (2 of 4 stars). 3 submissions from 3 submitters: Benign (1); Likely benign (2). Last evaluated 2025-03-18.

Conditions:
Hereditary cancer-predisposing syndrome. Also called: Hereditary neoplastic syndrome; Neoplastic Syndromes, Hereditary; Tumor predisposition; Hereditary Cancer Syndrome. Identifiers: Orphanet 140162, MedGen C0027672, MeSH D009386, MONDO:0015356.
Familial thoracic aortic aneurysm and aortic dissection (TAAD). Also called: Thoracic aortic aneurysms and dissections. Identifiers: Orphanet 91387, MedGen C4707243, MONDO:0019625.
Juvenile polyposis syndrome (JPS). Identifiers: Orphanet 2929, MedGen C0345893, MONDO:0017380, OMIM 174900.
Juvenile polyposis/hereditary hemorrhagic telangiectasia syndrome (JPHT). Also called: Juvenile Polyposis Syndrome / Hereditary Hemorrhagic Telangiectasia (JPS/HHT); JP/HHT SYNDROME; JUVENILE POLYPOSIS WITH HEREDITARY HEMORRHAGIC TELANGIECTASIA; POLYPOSIS, GENERALIZED JUVENILE, WITH PULMONARY ARTERIOVENOUS MALFORMATION; TELANGIECTASIA, HEREDITARY HEMORRHAGIC, WITH JUVENILE POLYPOSIS COLI. Identifiers: Orphanet 2929, MedGen C1832942, MONDO:0008278, OMIM 175050.

gnomAD v4.1: 3 of 1,614,008 alleles (0.00019%); highest among the groups gnomAD compares: Non-Finnish European, 0.00025%; no homozygotes.

Submissions (3):

Myriad Genetics, Inc.
Classification: Benign for Juvenile polyposis/hereditary hemorrhagic telangiectasia syndrome. Last evaluated: 2025-03-18. Review status: criteria provided, single submitter. Criteria: Myriad Autosomal Dominant, Autosomal Recessive and X-Linked Classification Criteria (2023). Collection method: clinical testing. Allele origin: unknown.
Comment: This variant is considered benign. This variant is a silent/synonymous amino acid change and it is not expected to impact splicing.

Labcorp Genetics (formerly Invitae), Labcorp
Classification: Likely benign for Juvenile polyposis syndrome. Last evaluated: 2024-04-22. Review status: criteria provided, single submitter. Criteria: Invitae Variant Classification Sherloc (09022015). Collection method: clinical testing. Allele origin: germline.

Ambry Genetics
Classification: Likely benign for Hereditary cancer-predisposing syndrome; Familial thoracic aortic aneurysm and aortic dissection. Last evaluated: 2020-02-21. Review status: criteria provided, single submitter. Criteria: Ambry Variant Classification Scheme 2023. Collection method: clinical testing. Allele origin: germline.